The following is an entry in ClinVar:

ClinVar aggregate classification (germline): Uncertain significance (1 of 4 stars; one submission).

Conditions:
RASopathy. Also called: Noonan spectrum disorder; rasopathies. Identifiers: Orphanet 536391, MedGen C5555857, MONDO:0021060.

Allele frequency attached by ClinVar (database versions not stated): gnomAD exomes below 0.00001; ExAC 0.00001.

Submission:

Labcorp Genetics (formerly Invitae), Labcorp
Classification: Uncertain significance for RASopathy. Last evaluated: 2023-04-28. Review status: criteria provided, single submitter. Criteria: Invitae Variant Classification Sherloc (09022015). Collection method: clinical testing. Allele origin: germline.
Comment: In summary, the available evidence is currently insufficient to determine the role of this variant in disease. Therefore, it has been classified as a Variant of Uncertain Significance. Advanced modeling of protein sequence and biophysical properties (such as structural, functional, and spatial information, amino acid conservation, physicochemical variation, residue mobility, and thermodynamic stability) performed at Invitae indicates that this missense variant is expected to disrupt PTPN11 protein function. ClinVar contains an entry for this variant (Variation ID: 1402628). This variant has not been reported in the literature in individuals affected with PTPN11-related conditions. This variant is present in population databases (rs779978269, gnomAD 0.0009%). This sequence change replaces isoleucine, which is neutral and non-polar, with valine, which is neutral and non-polar, at codon 470 of the PTPN11 protein (p.Ile470Val).

NM_002834.5(PTPN11):c.1408A>G (p.Ile470Val)

Gene: PTPN11 (protein tyrosine phosphatase non-receptor type 11; plus strand). Cytogenetic location: 12q24.13.
Variant type: single nucleotide variant.
Coding change: c.1408A>G on transcript NM_002834.5 (MANE Select); coding-DNA position 1408, A replaced by G.
Protein change: p.Ile470Val; replaces isoleucine 470 with valine.
Molecular consequence: missense variant.
Genome position (GRCh38, 1-based): chr12:112,488,471, A>G. VCF-style: chr12-112488471-A-G. GRCh37 (hg19) VCF-style: chr12-112926275-A-G.
Other names: c.1420A>G, p.Ile474Val (NM_001330437.2); c.1405A>G, p.Ile469Val (NM_001374625.1); short protein forms I469V, I470V, I474V.
Identifiers: ClinVar variation 1402628 (VCV001402628.8), dbSNP rs779978269, ClinGen allele CA6798783.